The following is an entry in ClinVar:

NM_152703.5(SAMD9L):c.1479C>A (p.Pro493=)

Gene: SAMD9L (sterile alpha motif domain containing 9 like; minus strand). Cytogenetic location: 7q21.2.
Variant type: single nucleotide variant.
Coding change: c.1479C>A on transcript NM_152703.5 (MANE Select); coding-DNA position 1479, C replaced by A.
Protein change: p.Pro493=; no amino-acid change (proline 493 retained).
Molecular consequence: synonymous variant.
Genome position (GRCh38, 1-based): chr7:93,134,493, G>T on the plus strand (C>A on the coding strand, the complement: SAMD9L is on the minus strand). VCF-style: chr7-93134493-G-T. GRCh37 (hg19) VCF-style: chr7-92763806-G-T.
Other names: c.1479C>A (NM_152703.2); c.1479C>A, p.Pro493= (NM_001303496.3, NM_001303497.3, NM_001303498.3 and 5 more transcripts).
Identifiers: ClinVar variation 3057298 (VCV003057298.3), dbSNP rs1792321135, ClinGen allele CA456629415.
Genomic context (GRCh38, chr7:93,134,493, plus strand): 5'-TTCTAGAGGTTTATATGTCTCGCTTTTCAGGTCTGATCTGCCGTTGCAGAAAATCCAGCT[G>T]GGCTGTTGGTAAAGATTAAGAGTAGAAATCTTCTCCCACATGTTAGTTGTCTTGTCTTCA-3'
Protein context (NP_689916.2, residues 483-503): KISTLNLYQQ[Pro493=]SWIFCNGRSD

ClinVar aggregate classification (germline): Likely benign. Review status: criteria provided, single submitter (1 of 4 stars). 2 submissions from 2 submitters: Likely benign (1). 1 of the submissions does not count toward it. Last evaluated 2025-02-10.

Conditions:
SAMD9L-related disorder. Also called: SAMD9L-related disorders; SAMD9L-related condition.
Inborn genetic diseases. Identifiers: MedGen C0950123, MeSH D030342.

Allele frequency attached by ClinVar (database versions not stated): TOPMed below 0.00001.
gnomAD v4.1: 15 of 1,613,922 alleles (0.00093%); highest among the groups gnomAD compares: Non-Finnish European, 0.0013%; no homozygotes.

Submissions (2):

Ambry Genetics
Classification: Likely benign for Inborn genetic diseases. Last evaluated: 2025-02-10. Review status: criteria provided, single submitter. Criteria: Ambry Variant Classification Scheme 2023. Collection method: clinical testing. Allele origin: germline.

PreventionGenetics, part of Exact Sciences
Classification: Likely benign for SAMD9L-related condition. Last evaluated: 2022-05-27. Review status: no assertion criteria provided. Collection method: clinical testing. Allele origin: germline. Not counted in ClinVar's aggregate classification.
Comment: This variant is classified as likely benign based on ACMG/AMP sequence variant interpretation guidelines (Richards et al. 2015 PMID: 25741868, with internal and published modifications).